The following is an entry in ClinVar:

NM_001271.4(CHD2):c.3221G>A (p.Arg1074Gln)

Gene: CHD2 (chromodomain helicase DNA binding protein 2; plus strand). Cytogenetic location: 15q26.1.
Variant type: single nucleotide variant.
Coding change: c.3221G>A on transcript NM_001271.4 (MANE Select); coding-DNA position 3221, G replaced by A.
Protein change: p.Arg1074Gln; replaces arginine 1074 with glutamine.
Molecular consequence: missense variant.
Genome position (GRCh38, 1-based): chr15:92,984,484, G>A. VCF-style: chr15-92984484-G-A. GRCh37 (hg19) VCF-style: chr15-93527714-G-A.
Other names: short protein forms R1074Q.
Identifiers: ClinVar variation 588544 (VCV000588544.7), dbSNP rs1567152270, ClinGen allele CA393895419.

ClinVar aggregate classification (germline): Conflicting classifications of pathogenicity. Review status: criteria provided, conflicting classifications (1 of 4 stars). 3 submissions from 3 submitters: Likely pathogenic (2); Likely benign (1). Last evaluated 2026-01-28.

Conditions:
Developmental and epileptic encephalopathy 94 (DEE94). Also called: CHD2-Related Neurodevelopmental Disorders; Epileptic encephalopathy, childhood-onset. Identifiers: Orphanet 1942, Orphanet 2382, MedGen C3809278, MONDO:0014150, OMIM 615369.
Inborn genetic diseases. Identifiers: MedGen C0950123, MeSH D030342.

Submissions (3):

Centre for Medical Genetics,  Mumbai
Classification: Likely benign for Developmental and epileptic encephalopathy 94. Last evaluated: 2026-01-28. Review status: criteria provided, single submitter. Criteria: ACMG Guidelines, 2015. Collection method: provider interpretation. Allele origin: germline. Inheritance: Autosomal dominant inheritance. Affected: no. Observed: 1 heterozygote.
Comment: The variant satisfies the PS2 criteria; The variant satisfies the PM2 criteria; extremely low frequency in gnomAD population databases. The variant satisfies PM5 criteria; different amino acid change as a known pathogenic variant. The variant satisfies PP2 criteria; Missense variant in a gene with low rate of benign missense mutations and for which missense mutation is a common mechanism of a disease.

Victorian Clinical Genetics Services, Murdoch Childrens Research Institute
Classification: Likely pathogenic for Developmental and epileptic encephalopathy 94. Last evaluated: 2025-10-27. Review status: criteria provided, single submitter. Criteria: ACMG Guidelines, 2015. Collection method: clinical testing. Allele origin: germline. Affected: yes.
Comment: This variant is classified as Likely pathogenic. Evidence in support of pathogenic classification: Variant is absent from gnomAD (v2, v3 and v4); This variant has moderate previous evidence of pathogenicity. This variant has been shown to be de novo and classified as likely pathogenic in ClinVar; Another missense variant comparable to the one identified in this case has moderate previous evidence for pathogenicity. An alternative change, p.(Arg1074Trp), has been classified as likely pathogenic in ClinVar, and reported in an individual with epilepsy (PMID: 39508407); Missense variant in a region that is highly intolerant to missense variation (high constraint region in DECIPHER). Additional information: Variant is predicted to result in a missense amino acid change from Arg to Gln; This variant is heterozygous; This gene is associated with autosomal dominant disease; No published evidence of segregation with disease has been identified for this variant; No published functional evidence has been identified for this variant; Missense variant with inconclusive in silico prediction and uninformative conservation; Loss of function is a known mechanism of disease in this gene and is associated with developmental and epileptic encephalopathy 94 (MIM#615369); Inheritance information for this variant is not currently available in this individual.

Ambry Genetics
Classification: Likely pathogenic for Inborn genetic diseases. Last evaluated: 2017-05-10. Review status: criteria provided, single submitter. Criteria: Ambry Variant Classification Scheme 2023. Collection method: clinical testing. Allele origin: germline.
Comment: The p.R1074Q variant (also known as c.3221G>A), located in coding exon 24 of the CHD2 gene, results from a G to A substitution at nucleotide position 3221. The arginine at codon 1074 is replaced by glutamine, an amino acid with highly similar properties. This amino acid position is highly conserved in available vertebrate species. In addition, this alteration is predicted to be deleterious by in silico analysis. Based on the majority of available evidence to date, this variant is likely to be pathogenic.

Literature cited by the submitters: PubMed 23020937 (cited by Centre for Medical Genetics,  Mumbai); PubMed 39508407 (cited by Victorian Clinical Genetics Services, Murdoch Childrens Research Institute).